The following is an entry in ClinVar:

NM_005228.5(EGFR):c.1619A>G (p.Asn540Ser)

Gene: EGFR (epidermal growth factor receptor; plus strand). Cytogenetic location: 7p11.2.
Variant type: single nucleotide variant.
Coding change: c.1619A>G on transcript NM_005228.5 (MANE Select); coding-DNA position 1619, A replaced by G.
Protein change: p.Asn540Ser; replaces asparagine 540 with serine.
Molecular consequence: missense variant.
Genome position (GRCh38, 1-based): chr7:55,161,619, A>G. VCF-style: chr7-55161619-A-G. GRCh37 (hg19) VCF-style: chr7-55229312-A-G.
Other names: c.1484A>G, p.Asn495Ser (NM_001346897.2, NM_001346899.2); c.1619A>G, p.Asn540Ser (NM_001346898.2, NM_201282.2, NM_201284.2); c.1460A>G, p.Asn487Ser (NM_001346900.2); c.818A>G, p.Asn273Ser (NM_001346941.2); short protein forms N487S, N540S, N273S, N495S.
Identifiers: ClinVar variation 2834029 (VCV002834029.4), dbSNP rs1562772187, ClinGen allele CA367580021.

ClinVar aggregate classification (germline): Uncertain significance. Review status: criteria provided, multiple submitters, no conflicts (2 of 4 stars). 2 submissions from 2 submitters: Uncertain significance (2). Last evaluated 2025-09-20.

Conditions:
Hereditary cancer-predisposing syndrome. Also called: Neoplastic Syndromes, Hereditary; Tumor predisposition; Hereditary Cancer Syndrome; Hereditary neoplastic syndrome. Identifiers: Orphanet 140162, MedGen C0027672, MeSH D009386, MONDO:0015356.
EGFR-related lung cancer (EGFR). Identifiers: MedGen CN130014.

Allele frequency attached by ClinVar (database versions not stated): gnomAD exomes below 0.00001.
gnomAD v4.1: 2 of 1,614,248 alleles (0.00012%); highest among the groups gnomAD compares: Middle Eastern, 0.016%; no homozygotes.

Submissions (2):

Ambry Genetics
Classification: Uncertain significance for Hereditary cancer-predisposing syndrome. Last evaluated: 2025-09-20. Review status: criteria provided, single submitter. Criteria: Ambry Variant Classification Scheme 2023. Collection method: clinical testing. Allele origin: germline.
Comment: The p.N540S variant (also known as c.1619A>G), located in coding exon 13 of the EGFR gene, results from an A to G substitution at nucleotide position 1619. The asparagine at codon 540 is replaced by serine, an amino acid with highly similar properties. This amino acid position is conserved. In addition, this alteration is predicted to be tolerated by in silico analysis. Based on the available evidence, the clinical significance of this variant remains unclear.

Labcorp Genetics (formerly Invitae), Labcorp
Classification: Uncertain significance for EGFR-related lung cancer. Last evaluated: 2024-04-29. Review status: criteria provided, single submitter. Criteria: Invitae Variant Classification Sherloc (09022015). Collection method: clinical testing. Allele origin: germline.
Comment: This sequence change replaces asparagine, which is neutral and polar, with serine, which is neutral and polar, at codon 540 of the EGFR protein (p.Asn540Ser). This variant is not present in population databases (gnomAD no frequency). This variant has not been reported in the literature in individuals affected with EGFR-related conditions. Advanced modeling of protein sequence and biophysical properties (such as structural, functional, and spatial information, amino acid conservation, physicochemical variation, residue mobility, and thermodynamic stability) performed at Invitae indicates that this missense variant is not expected to disrupt EGFR protein function with a negative predictive value of 80%. In summary, the available evidence is currently insufficient to determine the role of this variant in disease. Therefore, it has been classified as a Variant of Uncertain Significance.